The following is an entry in ClinVar:

NM_004706.4(ARHGEF1):c.410G>T (p.Arg137Leu)

Gene: ARHGEF1 (Rho guanine nucleotide exchange factor 1; plus strand). Cytogenetic location: 19q13.2.
Variant type: single nucleotide variant.
Coding change: c.410G>T on transcript NM_004706.4 (MANE Select); coding-DNA position 410, G replaced by T.
Protein change: p.Arg137Leu; replaces arginine 137 with leucine.
Molecular consequence: missense variant.
Genome position (GRCh38, 1-based): chr19:41,892,645, G>T. VCF-style: chr19-41892645-G-T. GRCh37 (hg19) VCF-style: chr19-42396716-G-T.
Other names: c.311G>T, p.Arg104Leu (NM_198977.2); c.455G>T, p.Arg152Leu (NM_199002.2); short protein forms R104L, R137L, R152L.
Identifiers: ClinVar variation 1520422 (VCV001520422.8), dbSNP rs376815607, ClinGen allele CA9465909.

ClinVar aggregate classification (germline): Uncertain significance (1 of 4 stars; one submission).

Allele frequency attached by ClinVar (database versions not stated): ExAC 0.00001; ESP Exome Variant Server 0.00008.

Submission:

Labcorp Genetics (formerly Invitae), Labcorp
Classification: Uncertain significance. Last evaluated: 2023-08-16. Review status: criteria provided, single submitter. Criteria: Invitae Variant Classification Sherloc (09022015). Collection method: clinical testing. Allele origin: germline.
Comment: In summary, the available evidence is currently insufficient to determine the role of this variant in disease. Therefore, it has been classified as a Variant of Uncertain Significance. An algorithm developed to predict the effect of missense changes on protein structure and function (PolyPhen-2) suggests that this variant is likely to be tolerated. ClinVar contains an entry for this variant (Variation ID: 1520422). This variant has not been reported in the literature in individuals affected with ARHGEF1-related conditions. This variant is present in population databases (rs376815607, gnomAD 0.002%). This sequence change replaces arginine, which is basic and polar, with leucine, which is neutral and non-polar, at codon 152 of the ARHGEF1 protein (p.Arg152Leu).